The following is an entry in ClinVar:

NM_015662.3(IFT172):c.1859T>G (p.Met620Arg)

Gene: IFT172 (intraflagellar transport 172; minus strand). Cytogenetic location: 2p23.3.
Variant type: single nucleotide variant.
Coding change: c.1859T>G on transcript NM_015662.3 (MANE Select); coding-DNA position 1859, T replaced by G.
Protein change: p.Met620Arg; replaces methionine 620 with arginine.
Molecular consequence: missense variant.
Genome position (GRCh38, 1-based): chr2:27,465,489, A>C on the plus strand (T>G on the coding strand, the complement: IFT172 is on the minus strand). VCF-style: chr2-27465489-A-C. GRCh37 (hg19) VCF-style: chr2-27688356-A-C.
Other names: c.1793T>G, p.Met598Arg (NM_001410739.1); short protein forms M620R, M598R.
Identifiers: ClinVar variation 2101092 (VCV002101092.4), dbSNP rs1667017228, ClinGen allele CA346386523.
Genomic context (GRCh38, chr2:27,465,489, plus strand): 5'-TGCCTTGCCTCTAGTGCCAGTTTACTCAAGGTTTTCCACATTGCCTCTGTTTCTGGGGTC[A>C]TTTCCAGAGTCTCTAAGAAGGCTGTTGCCCTGGAAAGGGAAGGAAGCAAAGCATAATGAA-3'
Protein context (NP_056477.1, residues 610-630): RATAFLETLE[Met620Arg]TPETEAMWKT

ClinVar aggregate classification (germline): Uncertain significance (1 of 4 stars; one submission).

Conditions:
Short-rib thoracic dysplasia 10 with or without polydactyly (SRTD10). Identifiers: Orphanet 474, MedGen C3810175, MONDO:0014284, OMIM 615630.
Retinitis pigmentosa 71 (RP71). Identifiers: Orphanet 791, MedGen C4225342, MONDO:0014618, OMIM 616394.

Submission:

Labcorp Genetics (formerly Invitae), Labcorp
Classification: Uncertain significance for Retinitis pigmentosa 71; Short-rib thoracic dysplasia 10 with or without polydactyly. Last evaluated: 2023-08-04. Review status: criteria provided, single submitter. Criteria: Invitae Variant Classification Sherloc (09022015). Collection method: clinical testing. Allele origin: germline.
Comment: In summary, the available evidence is currently insufficient to determine the role of this variant in disease. Therefore, it has been classified as a Variant of Uncertain Significance. Advanced modeling of protein sequence and biophysical properties (such as structural, functional, and spatial information, amino acid conservation, physicochemical variation, residue mobility, and thermodynamic stability) performed at Invitae indicates that this missense variant is not expected to disrupt IFT172 protein function. ClinVar contains an entry for this variant (Variation ID: 2101092). This variant has not been reported in the literature in individuals affected with IFT172-related conditions. This variant is not present in population databases (gnomAD no frequency). This sequence change replaces methionine, which is neutral and non-polar, with arginine, which is basic and polar, at codon 620 of the IFT172 protein (p.Met620Arg).